The following is an entry in ClinVar:

NM_001039111.3(TRIM71):c.948G>A (p.Glu316=)

Gene: TRIM71 (tripartite motif containing 71; plus strand). Cytogenetic location: 3p22.3.
Variant type: single nucleotide variant.
Coding change: c.948G>A on transcript NM_001039111.3 (MANE Select); coding-DNA position 948, G replaced by A.
Protein change: p.Glu316=; no amino-acid change (glutamic acid 316 retained).
Molecular consequence: synonymous variant.
Genome position (GRCh38, 1-based): chr3:32,873,913, G>A. VCF-style: chr3-32873913-G-A. GRCh37 (hg19) VCF-style: chr3-32915405-G-A.
Identifiers: ClinVar variation 2653646 (VCV002653646.24), dbSNP rs147066271, ClinGen allele CA2298738.
Genomic context (GRCh38, chr3:32,873,913, plus strand): 5'-CATCTGTCGTGAGTGCACAATGGGCCGGCATGGGGGCCACAGCTTCATCTACCTCCAGGA[G>A]GCACTGCAGGACTCACGGGCACTCACCATCCAGCTGCTGGCAGATGCCCAGCAGGGACGA-3'
Protein context (NP_001034200.1, residues 306-326): HGGHSFIYLQ[Glu316=]ALQDSRALTI

ClinVar aggregate classification (germline): Likely benign (1 of 4 stars; one submission).

Allele frequency attached by ClinVar (database versions not stated): 1000 Genomes Project 0.00140; 1000 Genomes Project 30x 0.00141; TOPMed 0.00237; ESP Exome Variant Server 0.00252; gnomAD exomes 0.00435; gnomAD 0.00504; ExAC 0.00620.

Submission:

CeGaT Center for Human Genetics Tuebingen
Classification: Likely benign. Last evaluated: 2026-06-01. Review status: criteria provided, single submitter. Criteria: CeGaT Center For Human Genetics Tuebingen Variant Classification Criteria Version 2. Collection method: clinical testing. Allele origin: germline. Affected: yes. Observed: 10 variant alleles.
Comment: TRIM71: BP4, BP7, BS2